The following is an entry in ClinVar:

NM_001354712.2(THRB):c.962A>G (p.Tyr321Cys)

Gene: THRB (thyroid hormone receptor beta; minus strand). Cytogenetic location: 3p24.2.
Variant type: single nucleotide variant.
Coding change: c.962A>G on transcript NM_001354712.2 (MANE Select); coding-DNA position 962, A replaced by G.
Protein change: p.Tyr321Cys; replaces tyrosine 321 with cysteine.
Molecular consequence: missense variant.
Genome position (GRCh38, 1-based): chr3:24,127,681, T>C on the plus strand (A>G on the coding strand, the complement: THRB is on the minus strand). VCF-style: chr3-24127681-T-C. GRCh37 (hg19) VCF-style: chr3-24169172-T-C.
Other names: c.962A>G, p.Tyr321Cys (NM_000461.5, NM_001128176.3, NM_001128177.2 and 6 more transcripts); c.869A>G, p.Tyr290Cys (NM_001354714.2, NM_001354715.2); short protein forms Y321C, Y290C.
Identifiers: ClinVar variation 619923 (VCV000619923.4), dbSNP rs1559401356, ClinGen allele CA351888870.

ClinVar aggregate classification (germline): Conflicting classifications of pathogenicity. Review status: criteria provided, conflicting classifications (1 of 4 stars). 2 submissions from 2 submitters: Likely pathogenic (1); Uncertain significance (1). Last evaluated 2023-06-14.

Conditions:
Inborn genetic diseases. Identifiers: MedGen C0950123, MeSH D030342.

Submissions (2):

Ambry Genetics
Classification: Likely pathogenic for Inborn genetic diseases. Last evaluated: 2023-06-14. Review status: criteria provided, single submitter. Criteria: Ambry Variant Classification Scheme 2023. Collection method: clinical testing. Allele origin: germline.
Comment: The c.962A>G (p.Y321C) alteration is located in exon 9 (coding exon 7) of the THRB gene. This alteration results from an A to G substitution at nucleotide position 962, causing the tyrosine (Y) at amino acid position 321 to be replaced by a cysteine (C). _x000D_ _x000D_ Based on the available evidence, the THRB c.962A>G (p.Y321C) alteration is classified as likely pathogenic for autosomal dominant thyroid hormone resistance; however, its clinical significance for autosomal recessive thyroid hormone resistance is unclear. This variant was not reported in population-based cohorts in the Genome Aggregation Database (gnomAD). This alteration has been detected in the heterozygous state in multiple individuals with clinical features of thyroid hormone resistance (Okazaki-Hada, 2021; Campi, 2020; Wu, 2018; Adams, 1994). This amino acid position is highly conserved in available vertebrate species. This missense alteration is located in a region that has a low rate of benign missense variation (Lek, 2016; Firth, 2009). Functional studies indicate this alteration impairs ligand binding and results in a reduction of thyroid hormone sensitivity (Collingwood, 1994). This alteration is predicted to be deleterious by in silico analysis. Based on the available evidence, this alteration is classified as likely pathogenic.

Quest Diagnostics Nichols Institute San Juan Capistrano
Classification: Uncertain significance. Last evaluated: 2018-01-29. Review status: criteria provided, single submitter. Criteria: Quest Diagnostics criteria. Collection method: clinical testing. Allele origin: germline.

Literature cited by the submitters: PubMed 7838159 (cited by Ambry Genetics); PubMed 8040303 (cited by Ambry Genetics); PubMed 30526530 (cited by Ambry Genetics); PubMed 32733382 (cited by Ambry Genetics); PubMed 34727089 (cited by Ambry Genetics).